The following is an entry in ClinVar:

NM_016507.4(CDK12):c.1627A>G (p.Thr543Ala)

Gene: CDK12 (cyclin dependent kinase 12; plus strand). Cytogenetic location: 17q12.
Variant type: single nucleotide variant.
Coding change: c.1627A>G on transcript NM_016507.4 (MANE Select); coding-DNA position 1627, A replaced by G.
Protein change: p.Thr543Ala; replaces threonine 543 with alanine.
Molecular consequence: missense variant.
Genome position (GRCh38, 1-based): chr17:39,471,459, A>G. VCF-style: chr17-39471459-A-G. GRCh37 (hg19) VCF-style: chr17-37627712-A-G.
Other names: c.1627A>G, p.Thr543Ala (NM_015083.4); short protein forms T543A.
Identifiers: ClinVar variation 3489358 (VCV003489358.1).

ClinVar aggregate classification (germline): Uncertain significance (1 of 4 stars; one submission).

gnomAD v4.1: 46 of 1,606,064 alleles (0.0029%); highest among the groups gnomAD compares: South Asian, 0.045%; no homozygotes.

Submission:

Ambry Genetics
Classification: Uncertain significance. Last evaluated: 2024-12-05. Review status: criteria provided, single submitter. Criteria: Ambry Variant Classification Scheme 2023. Collection method: clinical testing. Allele origin: germline.
Comment: The p.T543A variant (also known as c.1627A>G), located in coding exon 2 of the CDK12 gene, results from an A to G substitution at nucleotide position 1627. The threonine at codon 543 is replaced by alanine, an amino acid with similar properties. This amino acid position is conserved. In addition, this alteration is predicted to be tolerated by in silico analysis. Based on the available evidence, the clinical significance of this variant remains unclear.